The following is an entry in ClinVar:

ClinVar aggregate classification (germline): Uncertain significance (1 of 4 stars; one submission).

Allele frequency attached by ClinVar (database versions not stated): gnomAD exomes 0.00001.
gnomAD v4.1: 14 of 1,612,518 alleles (0.00087%); highest among the groups gnomAD compares: Non-Finnish European, 0.0012%; no homozygotes.

Submission:

Labcorp Genetics (formerly Invitae), Labcorp
Classification: Uncertain significance. Last evaluated: 2024-02-26. Review status: criteria provided, single submitter. Criteria: Invitae Variant Classification Sherloc (09022015). Collection method: clinical testing. Allele origin: germline.
Comment: This sequence change replaces aspartic acid, which is acidic and polar, with glycine, which is neutral and non-polar, at codon 398 of the ITGAM protein (p.Asp398Gly). This variant is not present in population databases (gnomAD no frequency). This variant has not been reported in the literature in individuals affected with ITGAM-related conditions. ClinVar contains an entry for this variant (Variation ID: 1516410). An algorithm developed to predict the effect of missense changes on protein structure and function (PolyPhen-2) suggests that this variant is likely to be disruptive. In summary, the available evidence is currently insufficient to determine the role of this variant in disease. Therefore, it has been classified as a Variant of Uncertain Significance.

NM_000632.4(ITGAM):c.1193A>G (p.Asp398Gly)

Gene: ITGAM (integrin subunit alpha M; plus strand). Cytogenetic location: 16p11.2.
Variant type: single nucleotide variant.
Coding change: c.1193A>G on transcript NM_000632.4 (MANE Select); coding-DNA position 1193, A replaced by G.
Protein change: p.Asp398Gly; replaces aspartic acid 398 with glycine.
Molecular consequence: missense variant.
Genome position (GRCh38, 1-based): chr16:31,277,029, A>G. VCF-style: chr16-31277029-A-G. GRCh37 (hg19) VCF-style: chr16-31288350-A-G.
Other names: c.1193A>G, p.Asp398Gly (NM_001145808.2); short protein forms D398G.
Identifiers: ClinVar variation 1516410 (VCV001516410.6), dbSNP rs2144310901, ClinGen allele CA395699842.